The following is an entry in ClinVar:

ClinVar aggregate classification (germline): Uncertain significance (1 of 4 stars; one submission).

Submission:

Labcorp Genetics (formerly Invitae), Labcorp
Classification: Uncertain significance. Last evaluated: 2025-12-20. Review status: criteria provided, single submitter. Criteria: Invitae Variant Classification Sherloc (09022015). Collection method: clinical testing. Allele origin: germline.
Comment: This sequence change replaces asparagine, which is neutral and polar, with serine, which is neutral and polar, at codon 322 of the MMP14 protein (p.Asn322Ser). This variant is not present in population databases (gnomAD no frequency). This variant has not been reported in the literature in individuals affected with MMP14-related conditions. Invitae Evidence Modeling of protein sequence and biophysical properties (such as structural, functional, and spatial information, amino acid conservation, physicochemical variation, residue mobility, and thermodynamic stability) indicates that this missense variant is not expected to disrupt MMP14 protein function with a negative predictive value of 80%. In summary, the available evidence is currently insufficient to determine the role of this variant in disease. Therefore, it has been classified as a Variant of Uncertain Significance.

NM_004995.4(MMP14):c.965A>G (p.Asn322Ser)

Gene: MMP14 (matrix metallopeptidase 14; plus strand). Cytogenetic location: 14q11.2.
Variant type: single nucleotide variant.
Coding change: c.965A>G on transcript NM_004995.4 (MANE Select); coding-DNA position 965, A replaced by G.
Protein change: p.Asn322Ser; replaces asparagine 322 with serine.
Molecular consequence: missense variant.
Genome position (GRCh38, 1-based): chr14:22,843,824, A>G. VCF-style: chr14-22843824-A-G. GRCh37 (hg19) VCF-style: chr14-23313033-A-G.
Other names: short protein forms N322S.
Identifiers: ClinVar variation 4762919 (VCV004762919.1).